The following is an entry in ClinVar:

NM_024769.5(CLMP):c.298C>T (p.Pro100Ser)

Gene: CLMP (CXADR like cell adhesion molecule; minus strand). Cytogenetic location: 11q24.1.
Variant type: single nucleotide variant.
Coding change: c.298C>T on transcript NM_024769.5 (MANE Select); coding-DNA position 298, C replaced by T.
Protein change: p.Pro100Ser; replaces proline 100 with serine.
Molecular consequence: missense variant.
Genome position (GRCh38, 1-based): chr11:123,084,602, G>A on the plus strand (C>T on the coding strand, the complement: CLMP is on the minus strand). VCF-style: chr11-123084602-G-A. GRCh37 (hg19) VCF-style: chr11-122955310-G-A.
Other names: short protein forms P100S.
Identifiers: ClinVar variation 3058390 (VCV003058390.2), dbSNP rs150466973, ClinGen allele CA6333135.
Genomic context (GRCh38, chr11:123,084,602, plus strand): 5'-CGTAGCGCCCTGAATTCTTAACCTTACAGGTGTACCGGCCCTCATCACTGGGCTTCAGAG[G>A]TTCAATCTGCAAGGAGGCATCTCCTGCCAGGAAATTGGAAGCAAAGGCCACTCGGCCCTT-3'
Protein context (NP_079045.1, residues 90-110): LAGDASLQIE[Pro100Ser]LKPSDEGRYT

ClinVar aggregate classification (germline): Likely benign (0 of 4 stars; one submission).

Conditions:
CLMP-related disorder. Also called: CLMP-related condition.

Allele frequency attached by ClinVar (database versions not stated): gnomAD exomes 0.00004; 1000 Genomes Project 30x 0.00016; ExAC 0.00018; 1000 Genomes Project 0.00020; gnomAD 0.00048; TOPMed 0.00054; ESP Exome Variant Server 0.00108.
gnomAD v4.1: 129 of 1,614,200 alleles (0.008%); highest among the groups gnomAD compares: African/African-American, 0.14%; no homozygotes.

Submission:

PreventionGenetics, part of Exact Sciences
Classification: Likely benign for CLMP-related condition. Last evaluated: 2023-04-24. Review status: no assertion criteria provided. Collection method: clinical testing. Allele origin: germline.
Comment: This variant is classified as likely benign based on ACMG/AMP sequence variant interpretation guidelines (Richards et al. 2015 PMID: 25741868, with internal and published modifications).